The following is an entry in ClinVar:

ClinVar aggregate classification (germline): Likely pathogenic (1 of 4 stars; one submission).

Conditions:
Severe intellectual disability-progressive spastic diplegia syndrome (NEDSDV). Also called: NEURODEVELOPMENTAL DISORDER WITH SPASTIC DIPLEGIA AND VISUAL DEFECTS; CTNNB1 Neurodevelopmental Disorder. Identifiers: Orphanet 404473, MedGen C3554449, MONDO:0014035, OMIM 615075.

Submission:

3billion
Classification: Likely pathogenic for Severe intellectual disability-progressive spastic diplegia syndrome. Last evaluated: 2022-05-22. Review status: criteria provided, single submitter. Criteria: ACMG Guidelines, 2015. Collection method: clinical testing. Allele origin: germline. Affected: yes. Observed: 1 heterozygote.
Comment: The variant is not observed in the gnomAD v2.1.1 dataset. Frameshift: predicted to result in a loss or disruption of normal protein function through nonsense-mediated decay (NMD) or protein truncation. Multiple pathogenic variants are reported downstream of the variant. Therefore, this variant is classified as likely pathogenic according to the recommendation of ACMG/AMP guideline.

NM_001904.4(CTNNB1):c.1178dup (p.Thr393_Lys394insTer)

Genes: CTNNB1 (catenin beta 1; plus strand), LOC126806659 (BRD4-independent group 4 enhancer GRCh37_chr3:41274918-41276117; plus strand). Cytogenetic location: 3p22.1.
Variant type: Duplication.
Coding change: c.1178dup on transcript NM_001904.4 (MANE Select); coding-DNA position 1178, one base duplicated (C; older notation c.1178dupC).
Protein change: p.Thr393_Lys394insTer.
Molecular consequence: frameshift variant.
Genome position (GRCh38, 1-based): chr3:41,233,437, C duplicated. VCF-style (leftmost placement, unchanged base first): chr3-41233436-A-AC. GRCh37 (hg19) VCF-style: chr3-41274927-A-AC.
Other names: c.1178dup, p.Thr393_Lys394insTer (NM_001098209.2, NM_001098210.2); c.1157dup, p.Thr386_Lys387insTer (NM_001330729.2).
Identifiers: ClinVar variation 1687403 (VCV001687403.1), dbSNP rs2125638080, ClinGen allele CA2573136936.